The following is an entry in ClinVar:

NM_003392.7(WNT5A):c.132T>A (p.Asn44Lys)

Gene: WNT5A (Wnt family member 5A; minus strand). Cytogenetic location: 3p14.3.
Variant type: single nucleotide variant.
Coding change: c.132T>A on transcript NM_003392.7 (MANE Select); coding-DNA position 132, T replaced by A.
Protein change: p.Asn44Lys; replaces asparagine 44 with lysine.
Molecular consequence: missense variant.
Genome position (GRCh38, 1-based): chr3:55,480,793, A>T on the plus strand (T>A on the coding strand, the complement: WNT5A is on the minus strand). VCF-style: chr3-55480793-A-T. GRCh37 (hg19) VCF-style: chr3-55514821-A-T.
Other names: c.87T>A, p.Asn29Lys (NM_001256105.1, NM_001377271.1, NM_001377272.1); short protein forms N29K, N44K.
Identifiers: ClinVar variation 1972295 (VCV001972295.5), dbSNP rs186124369, ClinGen allele CA2459121.

ClinVar aggregate classification (germline): Uncertain significance (1 of 4 stars; one submission).

Allele frequency attached by ClinVar (database versions not stated): ExAC 0.00003; TOPMed 0.00003; 1000 Genomes Project 0.00020; 1000 Genomes Project 30x 0.00031.
gnomAD v4.1: 12 of 1,563,002 alleles (0.00077%); highest among the groups gnomAD compares: Admixed American, 0.021%; no homozygotes.

Submission:

Labcorp Genetics (formerly Invitae), Labcorp
Classification: Uncertain significance. Last evaluated: 2024-07-25. Review status: criteria provided, single submitter. Criteria: Invitae Variant Classification Sherloc (09022015). Collection method: clinical testing. Allele origin: germline.
Comment: This sequence change replaces asparagine, which is neutral and polar, with lysine, which is basic and polar, at codon 44 of the WNT5A protein (p.Asn44Lys). This variant is present in population databases (rs186124369, gnomAD 0.03%). This variant has not been reported in the literature in individuals affected with WNT5A-related conditions. ClinVar contains an entry for this variant (Variation ID: 1972295). An algorithm developed to predict the effect of missense changes on protein structure and function (PolyPhen-2) suggests that this variant is likely to be tolerated. In summary, the available evidence is currently insufficient to determine the role of this variant in disease. Therefore, it has been classified as a Variant of Uncertain Significance.